The following is an entry in ClinVar:

ClinVar aggregate classification (germline): Likely benign. Review status: criteria provided, multiple submitters, no conflicts (2 of 4 stars). 2 submissions from 2 submitters: Likely benign (2). Last evaluated 2025-09-08.

Conditions:
Tuberous sclerosis 2 (TSC2). Identifiers: Orphanet 805, MedGen C1860707, MONDO:0013199, OMIM 613254.

Allele frequency attached by ClinVar (database versions not stated): gnomAD exomes below 0.00001 and 0.00001; ExAC 0.00001.
gnomAD v4.1: 9 of 1,607,556 alleles (0.00056%); highest among the groups gnomAD compares: South Asian, 0.0099%; no homozygotes.

Submissions (2):

Labcorp Genetics (formerly Invitae), Labcorp
Classification: Likely benign for Tuberous sclerosis 2. Last evaluated: 2025-09-08. Review status: criteria provided, single submitter. Criteria: Invitae Variant Classification Sherloc (09022015). Collection method: clinical testing. Allele origin: germline.

GeneDx
Classification: Likely benign. Last evaluated: 2017-11-28. Review status: criteria provided, single submitter. Criteria: GeneDx Variant Classification (06012015). Collection method: clinical testing. Allele origin: germline. Affected: yes.
Comment: This variant is considered likely benign or benign based on one or more of the following criteria: it is a conservative change, it occurs at a poorly conserved position in the protein, it is predicted to be benign by multiple in silico algorithms, and/or has population frequency not consistent with disease.

NM_000548.5(TSC2):c.2545+18C>T

Gene: TSC2 (TSC complex subunit 2; plus strand). Cytogenetic location: 16p13.3.
Variant type: single nucleotide variant.
Coding change: c.2545+18C>T on transcript NM_000548.5 (MANE Select); 18 bases into the intron after coding-DNA position 2545, C replaced by T.
Molecular consequence: intron variant.
Genome position (GRCh38, 1-based): chr16:2,074,407, C>T. VCF-style: chr16-2074407-C-T. GRCh37 (hg19) VCF-style: chr16-2124408-C-T.
Other names: c.2545+18C>T (NM_001114382.3, NM_021055.3, NM_001370405.1 and 3 more transcripts); c.2434+18C>T (NM_001318827.2); c.1945+18C>T (NM_001318831.2); c.2398+18C>T (NM_001318829.2); c.2578+18C>T (NM_001318832.2).
Identifiers: ClinVar variation 513682 (VCV000513682.8), dbSNP rs771970930, ClinGen allele CA039483.